The following is an entry in ClinVar:

ClinVar aggregate classification (germline): Uncertain significance. Review status: criteria provided, multiple submitters, no conflicts (2 of 4 stars). 2 submissions from 2 submitters: Uncertain significance (2). Last evaluated 2025-11-13.

Conditions:
Cerebral cavernous malformations 5. Identifiers: MedGen C5975541, MONDO:0975952, OMIM 621032.

gnomAD v4.1: 56 of 1,613,206 alleles (0.0035%); highest among the groups gnomAD compares: African/African-American, 0.071%; no homozygotes.

Submissions (2):

Ambry Genetics
Classification: Uncertain significance. Last evaluated: 2025-11-13. Review status: criteria provided, single submitter. Criteria: Ambry Variant Classification Scheme 2023. Collection method: clinical testing. Allele origin: germline.

Clinical Genomics Laboratory, Washington University in St. Louis
Classification: Uncertain significance for Cerebral cavernous malformations 5. Last evaluated: 2024-07-09. Review status: criteria provided, single submitter. Criteria: ACMG Guidelines, 2015. Collection method: clinical testing. Allele origin: germline.
Comment: A MAP3K3 c.397C>T (p.His133Tyr) variant was identified at a near heterozygous allelic fraction of 46.5%, a frequency which may be consistent with it being of germline origin. This variant, to our knowledge, has not been reported in the medical literature and is only observed on 56/1,613,206 alleles in the general population (gnomAD v4.1.0). Computational predictors suggest that this variant does not impact MAP3K3 function. Due to limited information, and based on ACMG/AMP guidelines for variant interpretation (Richards S et al., PMID: 25741868), the clinical significance of the MAP3K3 c.397C>T (p.His133Tyr) variant is uncertain at this time.

NM_002401.5(MAP3K3):c.397C>T (p.His133Tyr)

Gene: MAP3K3 (mitogen-activated protein kinase kinase kinase 3; plus strand). Cytogenetic location: 17q23.3.
Variant type: single nucleotide variant.
Coding change: c.397C>T on transcript NM_002401.5 (MANE Select); coding-DNA position 397, C replaced by T.
Protein change: p.His133Tyr; replaces histidine 133 with tyrosine.
Molecular consequence: missense variant.
Genome position (GRCh38, 1-based): chr17:63,666,955, C>T. VCF-style: chr17-63666955-C-T. GRCh37 (hg19) VCF-style: chr17-61744315-C-T.
Other names: c.490C>T (NM_203351.1); c.397C>T, p.His133Tyr (NM_001330431.2); c.490C>T, p.His164Tyr (NM_001363768.2, NM_203351.3); short protein forms H133Y, H164Y.
Identifiers: ClinVar variation 3600488 (VCV003600488.2).